The following is an entry in ClinVar:

ClinVar aggregate classification (germline): Uncertain significance (1 of 4 stars; one submission).

Conditions:
Intellectual developmental disorder, autosomal dominant 1. Also called: Intellectual disability, autosomal dominant 1; MBD5 Haploinsufficiency. Identifiers: Orphanet 228402, MedGen C1969562, MONDO:0007974, OMIM 156200.

Submission:

Labcorp Genetics (formerly Invitae), Labcorp
Classification: Uncertain significance for Intellectual developmental disorder, autosomal dominant 1. Last evaluated: 2022-07-15. Review status: criteria provided, single submitter. Criteria: Invitae Variant Classification Sherloc (09022015). Collection method: clinical testing. Allele origin: germline.
Comment: This sequence change replaces alanine, which is neutral and non-polar, with threonine, which is neutral and polar, at codon 1096 of the MBD5 protein (p.Ala1096Thr). This variant is not present in population databases (gnomAD no frequency). This variant has not been reported in the literature in individuals affected with MBD5-related conditions. Algorithms developed to predict the effect of missense changes on protein structure and function are either unavailable or do not agree on the potential impact of this missense change (SIFT: "Deleterious"; PolyPhen-2: "Not Available"; Align-GVGD: "Class C55"). In summary, the available evidence is currently insufficient to determine the role of this variant in disease. Therefore, it has been classified as a Variant of Uncertain Significance.

NM_001378120.1(MBD5):c.3985G>A (p.Ala1329Thr)

Gene: MBD5 (methyl-CpG binding domain protein 5; plus strand). Cytogenetic location: 2q23.1.
Variant type: single nucleotide variant.
Coding change: c.3985G>A on transcript NM_001378120.1 (MANE Select); coding-DNA position 3985, G replaced by A.
Protein change: p.Ala1329Thr; replaces alanine 1329 with threonine.
Molecular consequence: missense variant.
Genome position (GRCh38, 1-based): chr2:148,489,617, G>A. VCF-style: chr2-148489617-G-A. GRCh37 (hg19) VCF-style: chr2-149247186-G-A.
Other names: c.3286G>A, p.Ala1096Thr (NM_018328.5); short protein forms A1096T, A1329T.
Identifiers: ClinVar variation 1722268 (VCV001722268.6), dbSNP rs2470021574, ClinGen allele CA348727662.